The following is an entry in ClinVar:

NM_001012393.5(OPCML):c.459T>C (p.Ile153=)

Gene: OPCML (opioid binding protein/cell adhesion molecule like; minus strand). Cytogenetic location: 11q25.
Variant type: single nucleotide variant.
Coding change: c.459T>C on transcript NM_001012393.5 (MANE Select); coding-DNA position 459, T replaced by C.
Protein change: p.Ile153=; no amino-acid change (isoleucine 153 retained).
Molecular consequence: synonymous variant.
Genome position (GRCh38, 1-based): chr11:132,529,107, A>G on the plus strand (T>C on the coding strand, the complement: OPCML is on the minus strand). VCF-style: chr11-132529107-A-G. GRCh37 (hg19) VCF-style: chr11-132399001-A-G.
Other names: c.480T>C, p.Ile160= (NM_001319103.2, NM_001319106.2, NM_002545.5); c.180T>C, p.Ile60= (NM_001319104.4); c.357T>C, p.Ile119= (NM_001319105.2).
Identifiers: ClinVar variation 3039059 (VCV003039059.2), dbSNP rs145182728, ClinGen allele CA6368067.

ClinVar aggregate classification (germline): Likely benign (0 of 4 stars; one submission).

Conditions:
OPCML-related disorder. Also called: OPCML-related condition.

Allele frequency attached by ClinVar (database versions not stated): ESP Exome Variant Server 0.00023; gnomAD 0.00044; ExAC 0.00046; TOPMed 0.00056; gnomAD exomes 0.00074.
gnomAD v4.1: 1,138 of 1,613,522 alleles (0.071%); highest among the groups gnomAD compares: Non-Finnish European, 0.088%; 2 homozygotes.

Submission:

PreventionGenetics, part of Exact Sciences
Classification: Likely benign for OPCML-related condition. Last evaluated: 2019-05-24. Review status: no assertion criteria provided. Collection method: clinical testing. Allele origin: germline.
Comment: This variant is classified as likely benign based on ACMG/AMP sequence variant interpretation guidelines (Richards et al. 2015 PMID: 25741868, with internal and published modifications).